The following is an entry in ClinVar:

ClinVar aggregate classification (germline): Uncertain significance. Review status: criteria provided, multiple submitters, no conflicts (2 of 4 stars). 3 submissions from 3 submitters: Uncertain significance (3). Last evaluated 2026-01-23.

Conditions:
Familial thoracic aortic aneurysm and aortic dissection (TAAD). Also called: Thoracic aortic aneurysms and dissections. Identifiers: Orphanet 91387, MedGen C4707243, MONDO:0019625.
Shprintzen-Goldberg syndrome (SGS). Also called: Marfanoid disorder with craniosynostosis type 1; Marfanoid craniosynostosis syndrome; Shprintzen-Goldberg marfanoid syndrome; SHPRINTZEN-GOLDBERG CRANIOSYNOSTOSIS SYNDROME; CRANIOSYNOSTOSIS WITH ARACHNODACTYLY AND ABDOMINAL HERNIAS. Identifiers: Orphanet 2462, MedGen C1321551, MONDO:0008426, OMIM 182212.

Allele frequency attached by ClinVar (database versions not stated): gnomAD exomes below 0.00001; TOPMed below 0.00001; gnomAD 0.00001.
gnomAD v4.1: 8 of 1,613,014 alleles (0.0005%); highest among the groups gnomAD compares: Non-Finnish European, 0.00059%; no homozygotes.

Submissions (3):

Ambry Genetics
Classification: Uncertain significance for Familial thoracic aortic aneurysm and aortic dissection. Last evaluated: 2026-01-23. Review status: criteria provided, single submitter. Criteria: Ambry Variant Classification Scheme 2023. Collection method: clinical testing. Allele origin: germline.
Comment: The p.P398L variant (also known as c.1193C>T), located in coding exon 3 of the SKI gene, results from a C to T substitution at nucleotide position 1193. The proline at codon 398 is replaced by leucine, an amino acid with similar properties. This amino acid position is well conserved in available vertebrate species. In addition, the in silico prediction for this alteration is inconclusive. Based on the available evidence, the clinical significance of this variant remains unclear.

Labcorp Genetics (formerly Invitae), Labcorp
Classification: Uncertain significance for Shprintzen-Goldberg syndrome. Last evaluated: 2026-01-21. Review status: criteria provided, single submitter. Criteria: Invitae Variant Classification Sherloc (09022015). Collection method: clinical testing. Allele origin: germline.
Comment: This sequence change replaces proline, which is neutral and non-polar, with leucine, which is neutral and non-polar, at codon 398 of the SKI protein (p.Pro398Leu). The frequency data for this variant in the population databases is considered unreliable, as metrics indicate poor data quality at this position in the gnomAD database. This missense change has been observed in individual(s) with chromatinopathy (PMID: 32170002). ClinVar contains an entry for this variant (Variation ID: 956991). Invitae Evidence Modeling of protein sequence and biophysical properties (such as structural, functional, and spatial information, amino acid conservation, physicochemical variation, residue mobility, and thermodynamic stability) indicates that this missense variant is not expected to disrupt SKI protein function with a negative predictive value of 95%. In summary, the available evidence is currently insufficient to determine the role of this variant in disease. Therefore, it has been classified as a Variant of Uncertain Significance.

CeGaT Center for Human Genetics Tuebingen
Classification: Uncertain significance. Last evaluated: 2023-01-01. Review status: criteria provided, single submitter. Criteria: CeGaT Center For Human Genetics Tuebingen Variant Classification Criteria Version 2. Collection method: clinical testing. Allele origin: germline. Affected: yes. Observed: 1 variant allele.

Literature cited by the submitters: PubMed 32170002 (cited by Labcorp Genetics (formerly Invitae), Labcorp).

NM_003036.4(SKI):c.1193C>T (p.Pro398Leu)

Gene: SKI (SKI proto-oncogene; plus strand). Cytogenetic location: 1p36.32.
Variant type: single nucleotide variant.
Coding change: c.1193C>T on transcript NM_003036.4 (MANE Select); coding-DNA position 1193, C replaced by T.
Protein change: p.Pro398Leu; replaces proline 398 with leucine.
Molecular consequence: missense variant.
Genome position (GRCh38, 1-based): chr1:2,303,382, C>T. VCF-style: chr1-2303382-C-T. GRCh37 (hg19) VCF-style: chr1-2234821-C-T.
Other names: short protein forms P398L.
Identifiers: ClinVar variation 956991 (VCV000956991.33), dbSNP rs776248526, ClinGen allele CA337954625.